The following is an entry in ClinVar:

ClinVar aggregate classification (germline): Benign (1 of 4 stars; one submission).

Allele frequency attached by ClinVar (database versions not stated): gnomAD 0.93352; 1000 Genomes Project 0.95986.

Submission:

Unidad de Genómica Garrahan, Hospital de Pediatría Garrahan
Classification: Benign. Last evaluated: 2024-01-24. Review status: criteria provided, single submitter. Criteria: ACMG Guidelines, 2015. Collection method: clinical testing. Allele origin: germline. Affected: no. Observed: 56 variant alleles.
Comment: This variant is classified as Benign based on local population frequency. This variant was detected in 59% of patients studied by a panel of primary immunodeficiencies. Number of patients: 56. Only high quality variants are reported.

NM_005060.4(RORC):c.156+62G>A

Gene: RORC (RAR related orphan receptor C; minus strand). Cytogenetic location: 1q21.3.
Variant type: single nucleotide variant.
Coding change: c.156+62G>A on transcript NM_005060.4 (MANE Select); 62 bases into the intron after coding-DNA position 156, G replaced by A.
Molecular consequence: intron variant.
Genome position (GRCh38, 1-based): chr1:151,817,133, C>T on the plus strand (G>A on the coding strand, the complement: RORC is on the minus strand). VCF-style: chr1-151817133-C-T. GRCh37 (hg19) VCF-style: chr1-151789609-C-T.
Other names: c.93+62G>A (NM_001001523.2).
Identifiers: ClinVar variation 2688076 (VCV002688076.2), dbSNP rs56273334, ClinGen allele CA30500476.